The following is an entry in ClinVar:

NM_000492.4(CFTR):c.71del (p.Ile23_Leu24insTer)

Gene: CFTR (CF transmembrane conductance regulator; plus strand). Cytogenetic location: 7q31.2.
Variant type: Deletion.
Coding change: c.71del on transcript NM_000492.4 (MANE Select); coding-DNA position 71, one base deleted (T; older notation c.71delT).
Protein change: p.Ile23_Leu24insTer.
Molecular consequence: nonsense.
Genome position (GRCh38, 1-based): chr7:117,504,270, T deleted; the last of 4 consecutive T bases (chr7:117,504,267-117,504,270); deleting any one gives the same sequence. VCF-style (leftmost placement, unchanged base first): chr7-117504266-AT-A. GRCh37 (hg19) VCF-style: chr7-117144320-AT-A.
Identifiers: ClinVar variation 2036642 (VCV002036642.4), dbSNP rs2484968069, ClinGen allele CA2580076268.

ClinVar aggregate classification (germline): Pathogenic (1 of 4 stars; one submission).

Conditions:
Cystic fibrosis (CF). Also called: MUCOVISCIDOSIS. Identifiers: Orphanet 586, MedGen C0010674, MONDO:0009061, OMIM 219700. Disease mechanism: loss of function.

Submission:

Labcorp Genetics (formerly Invitae), Labcorp
Classification: Pathogenic for Cystic fibrosis. Last evaluated: 2022-10-23. Review status: criteria provided, single submitter. Criteria: Invitae Variant Classification Sherloc (09022015). Collection method: clinical testing. Allele origin: germline.
Comment: This sequence change creates a premature translational stop signal (p.Leu24*) in the CFTR gene. It is expected to result in an absent or disrupted protein product. Loss-of-function variants in CFTR are known to be pathogenic (PMID: 1695717, 7691345, 9725922). This variant is not present in population databases (gnomAD no frequency). For these reasons, this variant has been classified as Pathogenic. This variant has not been reported in the literature in individuals affected with CFTR-related conditions.

Literature cited by the submitters: PubMed 1695717; PubMed 7691345; PubMed 9725922.